The following is an entry in ClinVar:

ClinVar aggregate classification (germline): Benign (1 of 4 stars; one submission).

Allele frequency attached by ClinVar (database versions not stated): 1000 Genomes Project 0.09465; TOPMed 0.09531; 1000 Genomes Project 30x 0.09681; gnomAD 0.09883 and 0.09446; gnomAD exomes 0.05294.
gnomAD v4.1: 43,376 of 699,572 alleles (6.2%); highest among the groups gnomAD compares: African/African-American, 21%; 2,147 homozygotes.

Submission:

GeneDx
Classification: Benign. Last evaluated: 2018-06-16. Review status: criteria provided, single submitter. Criteria: GeneDx Variant Classification (06012015). Collection method: clinical testing. Allele origin: germline. Affected: yes.
Comment: This variant is considered likely benign or benign based on one or more of the following criteria: it is a conservative change, it occurs at a poorly conserved position in the protein, it is predicted to be benign by multiple in silico algorithms, and/or has population frequency not consistent with disease.

NM_001843.4(CNTN1):c.2523+115A>C

Gene: CNTN1 (contactin 1; plus strand). Cytogenetic location: 12q12.
Variant type: single nucleotide variant.
Coding change: c.2523+115A>C on transcript NM_001843.4 (MANE Select); 115 bases into the intron after coding-DNA position 2523, A replaced by C.
Molecular consequence: intron variant.
Genome position (GRCh38, 1-based): chr12:41,020,555, A>C. VCF-style: chr12-41020555-A-C. GRCh37 (hg19) VCF-style: chr12-41414357-A-C.
Other names: c.2490+115A>C (NM_175038.2).
Identifiers: ClinVar variation 681651 (VCV000681651.1), dbSNP rs280362, ClinGen allele CA13735685.
Genomic context (GRCh38, chr12:41,020,555, plus strand): 5'-CGTTTTCAAATGTGTTGTATGTTTCAATGTCCCATTAATTTATGTGGCAACTAATACTTT[A>C]TTCTCTGTGTCTAGTATTGTGGTCATATATAAGTTAATTGTTAAGAATAAAACAGGGGTT-3'